The following is an entry in ClinVar:

NM_199355.4(ADAMTS18):c.3481C>G (p.Leu1161Val)

Genes: ADAMTS18 (ADAM metallopeptidase with thrombospondin type 1 motif 18; minus strand), LOC126862407 (CDK7 strongly-dependent group 2 enhancer GRCh37_chr16:77322970-77324169; plus strand). Cytogenetic location: 16q23.1.
Variant type: single nucleotide variant.
Coding change: c.3481C>G on transcript NM_199355.4 (MANE Select); coding-DNA position 3481, C replaced by G.
Protein change: p.Leu1161Val; replaces leucine 1161 with valine.
Molecular consequence: missense variant.
Genome position (GRCh38, 1-based): chr16:77,289,333, G>C on the plus strand (C>G on the coding strand, the complement: ADAMTS18 is on the minus strand). VCF-style: chr16-77289333-G-C. GRCh37 (hg19) VCF-style: chr16-77323230-G-C.
Other names: c.2965C>G, p.Leu989Val (NM_001326358.2); short protein forms L1161V, L989V.
Identifiers: ClinVar variation 1356746 (VCV001356746.7), dbSNP rs544500747, ClinGen allele CA8180416.

ClinVar aggregate classification (germline): Uncertain significance (1 of 4 stars; one submission).

Allele frequency attached by ClinVar (database versions not stated): gnomAD 0.00001 and 0.00003; 1000 Genomes Project 0.00040; 1000 Genomes Project 30x 0.00047.
gnomAD v4.1: 11 of 1,614,130 alleles (0.00068%); highest among the groups gnomAD compares: African/African-American, 0.008%; no homozygotes.

Submission:

Labcorp Genetics (formerly Invitae), Labcorp
Classification: Uncertain significance. Last evaluated: 2024-10-24. Review status: criteria provided, single submitter. Criteria: Invitae Variant Classification Sherloc (09022015). Collection method: clinical testing. Allele origin: germline.
Comment: This sequence change replaces leucine, which is neutral and non-polar, with valine, which is neutral and non-polar, at codon 1161 of the ADAMTS18 protein (p.Leu1161Val). This variant is present in population databases (rs544500747, gnomAD 0.03%). This variant has not been reported in the literature in individuals affected with ADAMTS18-related conditions. ClinVar contains an entry for this variant (Variation ID: 1356746). An algorithm developed to predict the effect of missense changes on protein structure and function (PolyPhen-2) suggests that this variant is likely to be tolerated. In summary, the available evidence is currently insufficient to determine the role of this variant in disease. Therefore, it has been classified as a Variant of Uncertain Significance.